The following is an entry in ClinVar:

NM_000085.5(CLCNKB):c.1667C>T (p.Thr556Ile)

Genes: CLCNKB (chloride voltage-gated channel Kb; plus strand), LOC106501713 (CLCNKB recombination region; plus strand). Cytogenetic location: 1p36.13.
Variant type: single nucleotide variant.
Coding change: c.1667C>T on transcript NM_000085.5 (MANE Select); coding-DNA position 1667, C replaced by T.
Protein change: p.Thr556Ile; replaces threonine 556 with isoleucine.
Molecular consequence: missense variant.
Genome position (GRCh38, 1-based): chr1:16,053,683, C>T. VCF-style: chr1-16053683-C-T. GRCh37 (hg19) VCF-style: chr1-16380178-C-T.
Other names: c.1160C>T, p.Thr387Ile (NM_001165945.2); short protein forms T387I, T556I.
Identifiers: ClinVar variation 1361352 (VCV001361352.8), dbSNP rs2124107192, ClinGen allele CA338643602.

ClinVar aggregate classification (germline): Uncertain significance (1 of 4 stars; one submission).

Submission:

Labcorp Genetics (formerly Invitae), Labcorp
Classification: Uncertain significance. Last evaluated: 2021-06-15. Review status: criteria provided, single submitter. Criteria: Invitae Variant Classification Sherloc (09022015). Collection method: clinical testing. Allele origin: germline.
Comment: This sequence change replaces threonine with isoleucine at codon 556 of the CLCNKB protein (p.Thr556Ile). The threonine residue is weakly conserved and there is a moderate physicochemical difference between threonine and isoleucine. This variant is not present in population databases (ExAC no frequency). This variant has not been reported in the literature in individuals with CLCNKB-related conditions. Advanced modeling of protein sequence and biophysical properties (such as structural, functional, and spatial information, amino acid conservation, physicochemical variation, residue mobility, and thermodynamic stability) performed at Invitae indicates that this missense variant is not expected to disrupt CLCNKB protein function. In summary, the available evidence is currently insufficient to determine the role of this variant in disease. Therefore, it has been classified as a Variant of Uncertain Significance.